The following is an entry in ClinVar:

NM_004329.3(BMPR1A):c.70C>A (p.Gln24Lys)

Gene: BMPR1A (bone morphogenetic protein receptor type 1A; plus strand). Cytogenetic location: 10q23.2.
Variant type: single nucleotide variant.
Coding change: c.70C>A on transcript NM_004329.3 (MANE Select); coding-DNA position 70, C replaced by A.
Protein change: p.Gln24Lys; replaces glutamine 24 with lysine.
Molecular consequence: missense variant. On other transcripts: 5 prime UTR variant (3), non-coding transcript variant (3), intron variant (2).
Genome position (GRCh38, 1-based): chr10:86,890,064, C>A. VCF-style: chr10-86890064-C-A. GRCh37 (hg19) VCF-style: chr10-88649821-C-A.
Other names: c.70C>A, p.Gln24Lys (NM_001406559.1, NM_001406560.1, NM_001406561.1 and 23 more transcripts); c.-15C>A (NM_001406584.1, NM_001406585.1, NM_001406587.1); c.-12-3C>A (NM_001406588.1, NM_001406586.1); short protein forms Q24K.
Identifiers: ClinVar variation 3261216 (VCV003261216.1).
Genomic context (GRCh38, chr10:86,890,064, plus strand): 5'-CACGAAACAATGAGCTTTTCAGAAATGATTTACTTACAAATTCCATATTTGAATGCAGGA[C>A]AGAATCTGGATAGTATGCTTCATGGCACTGGGATGAAATCAGACTCCGACCAGAAAAAGT-3'
Protein context (NP_004320.2, residues 14-34): YLFIISRVQG[Gln24Lys]NLDSMLHGTG

ClinVar aggregate classification (germline): Uncertain significance (1 of 4 stars; one submission).

Conditions:
Hereditary cancer-predisposing syndrome. Also called: Hereditary Cancer Syndrome; Tumor predisposition; Hereditary neoplastic syndrome; Neoplastic Syndromes, Hereditary. Identifiers: Orphanet 140162, MedGen C0027672, MeSH D009386, MONDO:0015356.

Submission:

Ambry Genetics
Classification: Uncertain significance for Hereditary cancer-predisposing syndrome. Last evaluated: 2024-05-01. Review status: criteria provided, single submitter. Criteria: Ambry Variant Classification Scheme 2023. Collection method: clinical testing. Allele origin: germline.
Comment: The p.Q24K variant (also known as c.70C>A), located in coding exon 2 of the BMPR1A gene, results from a C to A substitution at nucleotide position 70. The glutamine at codon 24 is replaced by lysine, an amino acid with similar properties. This amino acid position is highly conserved in available vertebrate species. In addition, the in silico prediction for this alteration is inconclusive. Based on the available evidence, the clinical significance of this variant remains unclear.